The following is an entry in ClinVar:

ClinVar aggregate classification (germline): Uncertain significance (1 of 4 stars; one submission).

gnomAD v4.1: 2 of 1,613,778 alleles (0.00012%); highest among the groups gnomAD compares: Non-Finnish European, 0.00017%; no homozygotes.

Submission:

Ambry Genetics
Classification: Uncertain significance. Last evaluated: 2025-03-27. Review status: criteria provided, single submitter. Criteria: Ambry Variant Classification Scheme 2023. Collection method: clinical testing. Allele origin: germline.
Comment: The p.T697I variant (also known as c.2090C>T), located in coding exon 13 of the GEN1 gene, results from a C to T substitution at nucleotide position 2090. The threonine at codon 697 is replaced by isoleucine, an amino acid with similar properties. This amino acid position is conserved. In addition, this alteration is predicted to be tolerated by in silico analysis. Based on the available evidence, the clinical significance of this variant remains unclear.

NM_001130009.3(GEN1):c.2090C>T (p.Thr697Ile)

Gene: GEN1 (GEN1 Holliday junction 5' flap endonuclease; plus strand). Cytogenetic location: 2p24.2.
Variant type: single nucleotide variant.
Coding change: c.2090C>T on transcript NM_001130009.3 (MANE Select); coding-DNA position 2090, C replaced by T.
Protein change: p.Thr697Ile; replaces threonine 697 with isoleucine.
Molecular consequence: missense variant.
Genome position (GRCh38, 1-based): chr2:17,781,302, C>T. VCF-style: chr2-17781302-C-T. GRCh37 (hg19) VCF-style: chr2-17962569-C-T.
Other names: c.2090C>T, p.Thr697Ile (NM_182625.5); short protein forms T697I.
Identifiers: ClinVar variation 4029168 (VCV004029168.1).